The following is an entry in ClinVar:

NM_000026.4(ADSL):c.1128G>C (p.Glu376Asp)

Gene: ADSL (adenylosuccinate lyase; plus strand). Cytogenetic location: 22q13.1.
Variant type: single nucleotide variant.
Coding change: c.1128G>C on transcript NM_000026.4 (MANE Select); coding-DNA position 1128, G replaced by C.
Protein change: p.Glu376Asp; replaces glutamic acid 376 with aspartic acid.
Molecular consequence: missense variant. On other transcripts: non-coding transcript variant (1).
Genome position (GRCh38, 1-based): chr22:40,364,302, G>C. VCF-style: chr22-40364302-G-C. GRCh37 (hg19) VCF-style: chr22-40760306-G-C.
Other names: p.E376D:GAG>GAC; c.1128G>C, p.Glu376Asp (NM_001123378.3, NM_001363840.3); c.936G>C, p.Glu312Asp (NM_001317923.2); short protein forms E376D, E312D.
Identifiers: ClinVar variation 204795 (VCV000204795.9), dbSNP rs796052247, ClinGen allele CA313110.

ClinVar aggregate classification (germline): Conflicting classifications of pathogenicity. Review status: criteria provided, conflicting classifications (1 of 4 stars). 2 submissions from 2 submitters: Pathogenic (1); Uncertain significance (1). Last evaluated 2022-02-05.

Conditions:
Adenylosuccinate lyase deficiency (ADSLD). Also called: ADSL DEFICIENCY. Identifiers: Orphanet 46, MedGen C0268126, MONDO:0007068, OMIM 103050.

Allele frequency attached by ClinVar (database versions not stated): gnomAD exomes below 0.00001; TOPMed below 0.00001; gnomAD 0.00001.
gnomAD v4.1: 3 of 1,613,930 alleles (0.00019%); highest among the groups gnomAD compares: Non-Finnish European, 0.00025%; no homozygotes.

Submissions (2):

Labcorp Genetics (formerly Invitae), Labcorp
Classification: Uncertain significance for Adenylosuccinate lyase deficiency. Last evaluated: 2022-02-05. Review status: criteria provided, single submitter. Criteria: Invitae Variant Classification Sherloc (09022015). Collection method: clinical testing. Allele origin: germline.
Comment: Algorithms developed to predict the effect of missense changes on protein structure and function are either unavailable or do not agree on the potential impact of this missense change (SIFT: "Deleterious"; PolyPhen-2: "Benign"; Align-GVGD: "Class C35"). In summary, the available evidence is currently insufficient to determine the role of this variant in disease. Therefore, it has been classified as a Variant of Uncertain Significance. Experimental studies have shown that this missense change affects ADSL function (PMID: 17188615, 20127976). ClinVar contains an entry for this variant (Variation ID: 204795). This missense change has been observed in individual(s) with adenylosuccinate lyase deficiency (PMID: 17188615). This variant is present in population databases (rs796052247, gnomAD 0.0009%). This sequence change replaces glutamic acid, which is acidic and polar, with aspartic acid, which is acidic and polar, at codon 376 of the ADSL protein (p.Glu376Asp).

GeneDx
Classification: Pathogenic. Last evaluated: 2016-12-06. Review status: criteria provided, single submitter. Criteria: GeneDx Variant Classification (06012015). Collection method: clinical testing. Allele origin: germline. Affected: yes.
Comment: Functional characterization of the E376D variant indicated decreased stability of the protein's tertiary and quaternary structure leading to low residual enzyme activity (Zikanova et al., 2010). We interpret E376D as a pathogenic variant.

Literature cited by the submitters: PubMed 17188615 (cited by Labcorp Genetics (formerly Invitae), Labcorp); PubMed 20127976 (cited by Labcorp Genetics (formerly Invitae), Labcorp).